The following is an entry in ClinVar:

NM_001242896.3(DEPDC5):c.3895G>A (p.Val1299Met)

Gene: DEPDC5 (DEP domain containing 5, GATOR1 subcomplex subunit; plus strand). Cytogenetic location: 22q12.3.
Variant type: single nucleotide variant.
Coding change: c.3895G>A on transcript NM_001242896.3 (MANE Select); coding-DNA position 3895, G replaced by A.
Protein change: p.Val1299Met; replaces valine 1299 with methionine.
Molecular consequence: missense variant. On other transcripts: non-coding transcript variant (5).
Genome position (GRCh38, 1-based): chr22:31,879,614, G>A. VCF-style: chr22-31879614-G-A. GRCh37 (hg19) VCF-style: chr22-32275600-G-A.
Other names: c.3868G>A, p.Val1290Met (NM_001136029.4); c.3595G>A, p.Val1199Met (NM_001242897.2); c.3829G>A, p.Val1277Met (NM_001363852.2, NM_001364320.2); c.3661G>A, p.Val1221Met (NM_001363854.2, NM_001364319.2); c.3895G>A, p.Val1299Met (NM_001364318.2); c.3811G>A, p.Val1271Met (NM_001369901.1, NM_001369902.1); c.3802G>A, p.Val1268Met (NM_001369903.1, NM_014662.6); short protein forms V1199M, V1221M, V1268M, V1271M, V1277M, V1290M, V1299M.
Identifiers: ClinVar variation 3361249 (VCV003361249.1).
Genomic context (GRCh38, chr22:31,879,614, plus strand): 5'-CACACAGCAGGAGTGGACGACTTCGCCAGCTTCCAGCGCAAGTGGTTTGAGGTGGCCTTT[G>A]TGGCAGAAGAGCTCGTGCACTCTGAGATTCCTGCCTTTCTCCTGCCCTGGCTGCCTAGCC-3'
Protein context (NP_001229825.1, residues 1289-1309): FQRKWFEVAF[Val1299Met]AEELVHSEIP

ClinVar aggregate classification (germline): Uncertain significance (1 of 4 stars; one submission).

Submission:

GeneDx
Classification: Uncertain significance. Last evaluated: 2023-07-18. Review status: criteria provided, single submitter. Criteria: GeneDx Variant Classification Process June 2021. Collection method: clinical testing. Allele origin: germline. Affected: yes.
Comment: Not observed at significant frequency in large population cohorts (gnomAD); In silico analysis supports that this missense variant does not alter protein structure/function; Has not been previously published as pathogenic or benign to our knowledge